The following is an entry in ClinVar:

ClinVar aggregate classification (germline): Pathogenic/Likely pathogenic. Review status: criteria provided, multiple submitters, no conflicts (2 of 4 stars). 3 submissions from 3 submitters: Pathogenic (2); Likely pathogenic (1). Last evaluated 2023-11-29.

Conditions:
Multiple endocrine neoplasia, type 1 (MEN1). Also called: Endocrine adenomatosis multiple; MEN 1; MEA I; MEN I; WERMER SYNDROME. Identifiers: Orphanet 652, MedGen C0025267, MeSH D018761, MONDO:0007540, OMIM 131100.

Allele frequency attached by ClinVar (database versions not stated): gnomAD exomes below 0.00001.
gnomAD v4.1: 1 of 1,614,072 alleles (0.000062%); highest among the groups gnomAD compares: South Asian, 0.0011%; no homozygotes.

Submissions (3):

Labcorp Genetics (formerly Invitae), Labcorp
Classification: Pathogenic for Multiple endocrine neoplasia, type 1. Last evaluated: 2023-11-29. Review status: criteria provided, single submitter. Criteria: Invitae Variant Classification Sherloc (09022015). Collection method: clinical testing. Allele origin: germline.
Comment: This sequence change replaces leucine, which is neutral and non-polar, with proline, which is neutral and non-polar, at codon 168 of the MEN1 protein (p.Leu168Pro). This variant is not present in population databases (gnomAD no frequency). This missense change has been observed in individuals with multiple endocrine neoplasia type 1 (MEN1) and MEN-1 associated tumors (PMID: 9820618, 17853334, 19350320, 25824098, 26224587, 29455199). It has also been observed to segregate with disease in related individuals. This variant is also known as c.518T>C (p.L173P). ClinVar contains an entry for this variant (Variation ID: 36532). Advanced modeling of protein sequence and biophysical properties (such as structural, functional, and spatial information, amino acid conservation, physicochemical variation, residue mobility, and thermodynamic stability) performed at Invitae indicates that this missense variant is expected to disrupt MEN1 protein function with a positive predictive value of 95%. For these reasons, this variant has been classified as Pathogenic.

MGZ Medical Genetics Center
Classification: Likely pathogenic for Multiple endocrine neoplasia, type 1. Last evaluated: 2021-12-09. Review status: criteria provided, single submitter. Criteria: ACMG Guidelines, 2015. Collection method: clinical testing. Allele origin: germline. Affected: yes. Observed: 1 variant allele.
Comment: ACMG criteria applied: PS4_MOD, PM1, PP1_MOD, PM2_SUP, PP2, PP3

Women's Health and Genetics/Laboratory Corporation of America, LabCorp
Classification: Pathogenic for Multiple endocrine neoplasia, type 1. Last evaluated: 2018-07-12. Review status: criteria provided, single submitter. Criteria: LabCorp Variant Classification Summary - May 2015. Collection method: clinical testing. Allele origin: germline.
Comment: Variant summary: MEN1 c.503T>C (p.Leu168Pro) results in a non-conservative amino acid change in the encoded protein sequence. Five of five in-silico tools predict a damaging effect of the variant on protein function. The variant was absent in 245690 control chromosomes (in gnomAD). The c.503T>C has been reported in the literature in multiple families with several affected family members with confirmed dx of Multiple Endocrine Neoplasia Type 1 supported by segregation studies (Bartsch 1998, Bartsch 1998 2000, Langer 2001, Schaaf 2007, Waldmann 2007, Waldmann 2009, Ramundo 2014, Giusti 2016, Circelli 2015, Manoharan 2017). These data indicate that the variant is very likely to be associated with disease. To our knowledge, no experimental evidence demonstrating an impact on protein function has been reported. No clinical diagnostic laboratories have submitted clinical-significance assessments for this variant to ClinVar after 2014. Based on the evidence outlined above, the variant was classified as pathogenic.

Literature cited by the submitters: PubMed 9820618 (cited by Labcorp Genetics (formerly Invitae), Labcorp and Women's Health and Genetics/Laboratory Corporation of America, LabCorp); PubMed 17853334 (cited by Labcorp Genetics (formerly Invitae), Labcorp and Women's Health and Genetics/Laboratory Corporation of America, LabCorp); PubMed 19350320 (cited by Labcorp Genetics (formerly Invitae), Labcorp and Women's Health and Genetics/Laboratory Corporation of America, LabCorp); PubMed 25824098 (cited by Labcorp Genetics (formerly Invitae), Labcorp and Women's Health and Genetics/Laboratory Corporation of America, LabCorp); PubMed 26224587 (cited by Labcorp Genetics (formerly Invitae), Labcorp and Women's Health and Genetics/Laboratory Corporation of America, LabCorp); PubMed 29455199 (cited by Labcorp Genetics (formerly Invitae), Labcorp and Women's Health and Genetics/Laboratory Corporation of America, LabCorp); PubMed 17235589 (cited by Women's Health and Genetics/Laboratory Corporation of America, LabCorp); PubMed 11578300 (cited by Women's Health and Genetics/Laboratory Corporation of America, LabCorp); PubMed 24443791 (cited by Women's Health and Genetics/Laboratory Corporation of America, LabCorp); PubMed 28321559 (cited by Women's Health and Genetics/Laboratory Corporation of America, LabCorp).

NM_001370259.2(MEN1):c.503T>C (p.Leu168Pro)

Gene: MEN1 (menin 1; minus strand). Cytogenetic location: 11q13.1.
Variant type: single nucleotide variant.
Coding change: c.503T>C on transcript NM_001370259.2 (MANE Select); coding-DNA position 503, T replaced by C.
Protein change: p.Leu168Pro; replaces leucine 168 with proline.
Molecular consequence: missense variant.
Genome position (GRCh38, 1-based): chr11:64,808,042, A>G on the plus strand (T>C on the coding strand, the complement: MEN1 is on the minus strand). VCF-style: chr11-64808042-A-G. GRCh37 (hg19) VCF-style: chr11-64575514-A-G.
Other names: c.518T>C, p.Leu173Pro (NM_000244.4, NM_130800.3, NM_130801.3 and 3 more transcripts); c.503T>C, p.Leu168Pro (NM_001370251.2, NM_001370260.2, NM_001370261.2 and 3 more transcripts); short protein forms L168P, L173P.
Identifiers: ClinVar variation 36532 (VCV000036532.12), dbSNP rs386134256, ClinGen allele CA009447.